The following is an entry in ClinVar:

NM_000501.4(ELN):c.949+14G>A

Gene: ELN (elastin; plus strand). Cytogenetic location: 7q11.23.
Variant type: single nucleotide variant.
Coding change: c.949+14G>A on transcript NM_000501.4 (MANE Select); 14 bases into the intron after coding-DNA position 949, G replaced by A.
Molecular consequence: intron variant.
Genome position (GRCh38, 1-based): chr7:74,051,997, G>A. VCF-style: chr7-74051997-G-A. GRCh37 (hg19) VCF-style: chr7-73466327-G-A.
Other names: c.964+14G>A (NM_001081754.3, NM_001081753.3); c.949+14G>A (NM_001278939.2, NM_001278915.2, NM_001278912.2 and 1 more transcripts); c.907+14G>A (NM_001278916.2); c.841+14G>A (NM_001278913.2); c.934+14G>A (NM_001278914.2); c.919+14G>A (NM_001278917.2, NM_001081752.3); c.817+14G>A (NM_001278918.2).
Identifiers: ClinVar variation 515362 (VCV000515362.8), dbSNP rs200929398, ClinGen allele CA4292774.

ClinVar aggregate classification (germline): Likely benign. Review status: criteria provided, multiple submitters, no conflicts (2 of 4 stars). 2 submissions from 2 submitters: Likely benign (2). Last evaluated 2025-10-22.

Conditions:
Supravalvar aortic stenosis (SVAS). Also called: Supravalvar aortic stenosis, Eisenberg type. Identifiers: Orphanet 3193, MedGen C0003499, MONDO:0008504, OMIM 185500, HP:0004381.

Allele frequency attached by ClinVar (database versions not stated): ExAC 0.00008; gnomAD 0.00018 and 0.00019; ESP Exome Variant Server 0.00023; 1000 Genomes Project 0.00040.
gnomAD v4.1: 54 of 1,612,482 alleles (0.0033%); highest among the groups gnomAD compares: African/African-American, 0.051%; no homozygotes.

Submissions (2):

Labcorp Genetics (formerly Invitae), Labcorp
Classification: Likely benign for Supravalvar aortic stenosis. Last evaluated: 2025-10-22. Review status: criteria provided, single submitter. Criteria: Invitae Variant Classification Sherloc (09022015). Collection method: clinical testing. Allele origin: germline.

GeneDx
Classification: Likely benign. Last evaluated: 2018-02-08. Review status: criteria provided, single submitter. Criteria: GeneDx Variant Classification (06012015). Collection method: clinical testing. Allele origin: germline. Affected: yes.
Comment: This variant is considered likely benign or benign based on one or more of the following criteria: it is a conservative change, it occurs at a poorly conserved position in the protein, it is predicted to be benign by multiple in silico algorithms, and/or has population frequency not consistent with disease.